The following is an entry in ClinVar:

ClinVar aggregate classification (germline): Uncertain significance (1 of 4 stars; one submission).

Conditions:
Kabuki syndrome. Also called: NIIKAWA-KUROKI SYNDROME; Kabuki make-up syndrome. Identifiers: Orphanet 2322, MedGen C0796004, MONDO:0016512.

Submission:

Labcorp Genetics (formerly Invitae), Labcorp
Classification: Uncertain significance for Kabuki syndrome. Last evaluated: 2024-01-29. Review status: criteria provided, single submitter. Criteria: Invitae Variant Classification Sherloc (09022015). Collection method: clinical testing. Allele origin: germline.
Comment: This variant, c.1138_1158del, results in the deletion of 7 amino acid(s) of the KMT2D protein (p.Thr380_Asp386del), but otherwise preserves the integrity of the reading frame. This variant is not present in population databases (gnomAD no frequency). This variant has not been reported in the literature in individuals affected with KMT2D-related conditions. Experimental studies and prediction algorithms are not available or were not evaluated, and the functional significance of this variant is currently unknown. In summary, the available evidence is currently insufficient to determine the role of this variant in disease. Therefore, it has been classified as a Variant of Uncertain Significance.

NM_003482.4(KMT2D):c.1138_1158del (p.Thr380_Asp386del)

Gene: KMT2D (lysine methyltransferase 2D; minus strand). Cytogenetic location: 12q13.12.
Variant type: Deletion.
Coding change: c.1138_1158del on transcript NM_003482.4 (MANE Select); coding-DNA positions 1138 to 1158, 21 bases deleted (ACCCCCACTGACGAGCCCGAT).
Protein change: p.Thr380_Asp386del.
Molecular consequence: inframe deletion.
Genome position (GRCh38, 1-based): chr12:49,052,664-49,052,684, ATCGGGCTCGTCAGTGGGGGT deleted on the plus strand (ACCCCCACTGACGAGCCCGAT on the coding strand, the reverse complement: KMT2D is on the minus strand); deleting any 21 consecutive bases within chr12:49,052,664-49,052,688 gives the same sequence; the c. name uses the placement nearest the transcript's 3' end. VCF-style (leftmost placement, unchanged base first): chr12-49052663-CATCGGGCTCGTCAGTGGGGGT-C. GRCh37 (hg19) VCF-style: chr12-49446446-CATCGGGCTCGTCAGTGGGGGT-C.
Identifiers: ClinVar variation 2714191 (VCV002714191.3), dbSNP rs2498461684, ClinGen allele CA2697559277.